The following is an entry in ClinVar:

ClinVar aggregate classification (germline): Likely benign. Review status: criteria provided, multiple submitters, no conflicts (2 of 4 stars). 9 submissions from 9 submitters: Likely benign (8). 1 of the submissions does not count toward it. Last evaluated 2025-12-26.

Conditions:
DAG1-related disorder. Also called: DAG1-related condition.
Autosomal recessive limb-girdle muscular dystrophy type 2P. Also called: MUSCULAR DYSTROPHY-DYSTROGLYCANOPATHY, LIMB-GIRDLE, DAG1-RELATED; Limb-Girdle Muscular Dystrophy Type 9C; MUSCULAR DYSTROPHY, LIMB-GIRDLE, TYPE 2P. Identifiers: Orphanet 280333, MedGen C4511963, MONDO:0013440, OMIM 613818.
Muscular dystrophy-dystroglycanopathy (congenital with brain and eye anomalies), type A9. Also called: WALKER-WARBURG SYNDROME OR MUSCLE-EYE BRAIN DISEASE, DAG1-RELATED; Muscular dystrophy-dystroglycanopathy (congenital with brain and eye anomalies), type a, 9. Identifiers: Orphanet 370997, Orphanet 899, MedGen C4225291, MONDO:0014683, OMIM 616538.

Allele frequency attached by ClinVar (database versions not stated): ESP Exome Variant Server 0.00192; 1000 Genomes Project 0.00200; gnomAD 0.00205 and 0.00227; 1000 Genomes Project 30x 0.00234; TOPMed 0.00244.

Submissions (9):

Labcorp Genetics (formerly Invitae), Labcorp
Classification: Likely benign for Autosomal recessive limb-girdle muscular dystrophy type 2P; Muscular dystrophy-dystroglycanopathy (congenital with brain and eye anomalies), type A9. Last evaluated: 2025-12-26. Review status: criteria provided, single submitter. Criteria: Invitae Variant Classification Sherloc (09022015). Collection method: clinical testing. Allele origin: germline.

Genomic Medicine Center of Excellence, King Faisal Specialist Hospital and Research Centre
Classification: Likely benign. Last evaluated: 2025-08-18. Review status: criteria provided, single submitter. Criteria: ACMG Guidelines, 2015. Collection method: clinical testing. Allele origin: germline.

Blueprint Genetics
Classification: Likely benign. Last evaluated: 2024-11-01. Review status: criteria provided, single submitter. Criteria: ACMG Guidelines, 2015. Collection method: clinical testing. Allele origin: germline.

CeGaT Center for Human Genetics Tuebingen
Classification: Likely benign. Last evaluated: 2024-07-01. Review status: criteria provided, single submitter. Criteria: CeGaT Center For Human Genetics Tuebingen Variant Classification Criteria Version 2. Collection method: clinical testing. Allele origin: germline. Affected: yes. Observed: 1 variant allele.
Comment: DAG1: BP4, BS2

GeneDx
Classification: Likely benign. Last evaluated: 2021-04-22. Review status: criteria provided, single submitter. Criteria: GeneDx Variant Classification Process June 2021. Collection method: clinical testing. Allele origin: germline. Affected: yes.

Athena Diagnostics
Classification: Likely benign. Last evaluated: 2018-12-31. Review status: criteria provided, single submitter. Criteria: Athena Diagnostics Criteria. Collection method: clinical testing. Allele origin: germline.

Eurofins Ntd Llc (ga)
Classification: Likely benign. Last evaluated: 2015-11-10. Review status: criteria provided, single submitter. Criteria: EGL Classification Definitions 2015. Collection method: clinical testing. Allele origin: germline. Observed: 1 variant allele, 1 heterozygote.

Breakthrough Genomics
Classification: Likely benign. Review status: criteria provided, single submitter. Criteria: ACMG Guidelines, 2015. Collection method: not provided. Allele origin: germline. Inheritance: Autosomal recessive inheritance. Affected: yes.

PreventionGenetics, part of Exact Sciences
Classification: Benign for DAG1-related condition. Last evaluated: 2021-01-11. Review status: no assertion criteria provided. Collection method: clinical testing. Allele origin: germline. Not counted in ClinVar's aggregate classification.
Comment: This variant is classified as benign based on ACMG/AMP sequence variant interpretation guidelines (Richards et al. 2015 PMID: 25741868, with internal and published modifications).

NM_004393.6(DAG1):c.2036G>A (p.Arg679His)

Gene: DAG1 (dystroglycan 1; plus strand). Cytogenetic location: 3p21.31.
Variant type: single nucleotide variant.
Coding change: c.2036G>A on transcript NM_004393.6 (MANE Select); coding-DNA position 2036, G replaced by A.
Protein change: p.Arg679His; replaces arginine 679 with histidine.
Molecular consequence: missense variant.
Genome position (GRCh38, 1-based): chr3:49,532,547, G>A. VCF-style: chr3-49532547-G-A. GRCh37 (hg19) VCF-style: chr3-49569980-G-A.
Other names: c.2036G>A, p.Arg679His (NM_001165928.4, NM_001177634.3, NM_001177635.3 and 9 more transcripts); c.2036G>A (NM_001177639.2); short protein forms R679H.
Identifiers: ClinVar variation 257587 (VCV000257587.38), dbSNP rs113904914, ClinGen allele CA2399193.